The following is an entry in ClinVar:

NM_000165.5(GJA1):c.402G>C (p.Lys134Asn)

Gene: GJA1 (gap junction protein alpha 1; plus strand). Cytogenetic location: 6q22.31.
Variant type: single nucleotide variant.
Coding change: c.402G>C on transcript NM_000165.5 (MANE Select); coding-DNA position 402, G replaced by C.
Protein change: p.Lys134Asn; replaces lysine 134 with asparagine.
Molecular consequence: missense variant.
Genome position (GRCh38, 1-based): chr6:121,447,249, G>C. VCF-style: chr6-121447249-G-C. GRCh37 (hg19) VCF-style: chr6-121768395-G-C.
Other names: short protein forms K134N.
Identifiers: ClinVar variation 2012354 (VCV002012354.4), dbSNP rs2536821783, ClinGen allele CA365558929.

ClinVar aggregate classification (germline): Uncertain significance (1 of 4 stars; one submission).

Conditions:
Oculodentodigital dysplasia, autosomal recessive. Also called: OCULODENTOOSSEOUS DYSPLASIA, AUTOSOMAL RECESSIVE; ODDD, AUTOSOMAL RECESSIVE; ODOD, AUTOSOMAL RECESSIVE. Identifiers: Orphanet 2710, MedGen C2749477, MONDO:0009768, OMIM 257850.

Submission:

Labcorp Genetics (formerly Invitae), Labcorp
Classification: Uncertain significance for Oculodentodigital dysplasia, autosomal recessive. Last evaluated: 2024-03-11. Review status: criteria provided, single submitter. Criteria: Invitae Variant Classification Sherloc (09022015). Collection method: clinical testing. Allele origin: germline.
Comment: This sequence change replaces lysine, which is basic and polar, with asparagine, which is neutral and polar, at codon 134 of the GJA1 protein (p.Lys134Asn). This variant is not present in population databases (gnomAD no frequency). This missense change has been observed in individual(s) with autosomal dominant oculodentodigital syndrome (PMID: 14729836). ClinVar contains an entry for this variant (Variation ID: 2012354). Advanced modeling of protein sequence and biophysical properties (such as structural, functional, and spatial information, amino acid conservation, physicochemical variation, residue mobility, and thermodynamic stability) performed at Invitae indicates that this missense variant is not expected to disrupt GJA1 protein function with a negative predictive value of 80%. This variant disrupts the p.Lys134 amino acid residue in GJA1. Other variant(s) that disrupt this residue have been observed in individuals with GJA1-related conditions (PMID: 12457340), which suggests that this may be a clinically significant amino acid residue. In summary, the available evidence is currently insufficient to determine the role of this variant in disease. Therefore, it has been classified as a Variant of Uncertain Significance.

Literature cited by the submitters: PubMed 14729836; PubMed 12457340.